The following is an entry in ClinVar:

NM_001987.5(ETV6):c.796A>G (p.Ile266Val)

Gene: ETV6 (ETS variant transcription factor 6; plus strand). Cytogenetic location: 12p13.2.
Variant type: single nucleotide variant.
Coding change: c.796A>G on transcript NM_001987.5 (MANE Select); coding-DNA position 796, A replaced by G.
Protein change: p.Ile266Val; replaces isoleucine 266 with valine.
Molecular consequence: missense variant.
Genome position (GRCh38, 1-based): chr12:11,869,756, A>G. VCF-style: chr12-11869756-A-G. GRCh37 (hg19) VCF-style: chr12-12022690-A-G.
Other names: c.793A>G, p.Ile265Val (NM_001413913.1); c.769A>G, p.Ile257Val (NM_001413914.1); c.532A>G, p.Ile178Val (NM_001413915.1); c.796A>G, p.Ile266Val (NM_001413916.1, NM_001413917.1); short protein forms I265V, I266V, I178V, I257V.
Identifiers: ClinVar variation 4824059 (VCV004824059.1).
Genomic context (GRCh38, chr12:11,869,756, plus strand): 5'-CCAGCGTCCTCCGAGTCCCACCCGAAGCCATCCAGCCCCCGGCAGGAGAGCACACGCGTG[A>G]TCCAGCTGATGCCCAGCCCCATCATGCACCCTCTGATCCTGAACCCCCGGCACTCCGTGG-3'
Protein context (NP_001978.1, residues 256-276): SSPRQESTRV[Ile266Val]QLMPSPIMHP

ClinVar aggregate classification (germline): Uncertain significance (1 of 4 stars; one submission).

Conditions:
Inborn genetic diseases. Identifiers: MedGen C0950123, MeSH D030342.

Submission:

Ambry Genetics
Classification: Uncertain significance for Inborn genetic diseases. Last evaluated: 2026-01-20. Review status: criteria provided, single submitter. Criteria: Ambry Variant Classification Scheme 2023. Collection method: clinical testing. Allele origin: germline.
Comment: The p.I266V variant (also known as c.796A>G), located in coding exon 5 of the ETV6 gene, results from an A to G substitution at nucleotide position 796. The isoleucine at codon 266 is replaced by valine, an amino acid with highly similar properties. This amino acid position is conserved. In addition, this alteration is predicted to be tolerated by in silico analysis. Based on the available evidence, the clinical significance of this variant remains unclear.